The following is an entry in ClinVar:

ClinVar aggregate classification (germline): Uncertain significance. Review status: criteria provided, multiple submitters, no conflicts (2 of 4 stars). 2 submissions from 2 submitters: Uncertain significance (2). Last evaluated 2025-07-04.

Conditions:
Adams-Oliver syndrome 5 (AOS5). Identifiers: Orphanet 974, MedGen C4014970, MONDO:0014459, OMIM 616028.
Familial thoracic aortic aneurysm and aortic dissection (TAAD). Also called: Thoracic aortic aneurysms and dissections. Identifiers: Orphanet 91387, MedGen C4707243, MONDO:0019625.

gnomAD v4.1: 2 of 1,612,876 alleles (0.00012%); highest among the groups gnomAD compares: Non-Finnish European, 0.000085%; no homozygotes.

Submissions (2):

Ambry Genetics
Classification: Uncertain significance for Familial thoracic aortic aneurysm and aortic dissection. Last evaluated: 2025-07-04. Review status: criteria provided, single submitter. Criteria: Ambry Variant Classification Scheme 2023. Collection method: clinical testing. Allele origin: germline.

Labcorp Genetics (formerly Invitae), Labcorp
Classification: Uncertain significance for Adams-Oliver syndrome 5. Last evaluated: 2025-02-03. Review status: criteria provided, single submitter. Criteria: Invitae Variant Classification Sherloc (09022015). Collection method: clinical testing. Allele origin: germline.
Comment: This sequence change replaces leucine, which is neutral and non-polar, with proline, which is neutral and non-polar, at codon 642 of the NOTCH1 protein (p.Leu642Pro). This variant is not present in population databases (gnomAD no frequency). This variant has not been reported in the literature in individuals affected with NOTCH1-related conditions. Invitae Evidence Modeling of protein sequence and biophysical properties (such as structural, functional, and spatial information, amino acid conservation, physicochemical variation, residue mobility, and thermodynamic stability) indicates that this missense variant is not expected to disrupt NOTCH1 protein function with a negative predictive value of 95%. In summary, the available evidence is currently insufficient to determine the role of this variant in disease. Therefore, it has been classified as a Variant of Uncertain Significance.

NM_017617.5(NOTCH1):c.1925T>C (p.Leu642Pro)

Gene: NOTCH1 (notch receptor 1; minus strand). Cytogenetic location: 9q34.3.
Variant type: single nucleotide variant.
Coding change: c.1925T>C on transcript NM_017617.5 (MANE Select); coding-DNA position 1925, T replaced by C.
Protein change: p.Leu642Pro; replaces leucine 642 with proline.
Molecular consequence: missense variant.
Genome position (GRCh38, 1-based): chr9:136,515,379, A>G on the plus strand (T>C on the coding strand, the complement: NOTCH1 is on the minus strand). VCF-style: chr9-136515379-A-G. GRCh37 (hg19) VCF-style: chr9-139409831-A-G.
Other names: short protein forms L642P.
Identifiers: ClinVar variation 4121677 (VCV004121677.2).